The following is an entry in ClinVar:

NM_018444.4(PDP1):c.1601A>G (p.Gln534Arg)

Gene: PDP1 (pyruvate dehydrogenase phosphatase catalytic subunit 1; plus strand). Cytogenetic location: 8q22.1.
Variant type: single nucleotide variant.
Coding change: c.1601A>G on transcript NM_018444.4 (MANE Select); coding-DNA position 1601, A replaced by G.
Protein change: p.Gln534Arg; replaces glutamine 534 with arginine.
Molecular consequence: missense variant.
Genome position (GRCh38, 1-based): chr8:93,923,660, A>G. VCF-style: chr8-93923660-A-G. GRCh37 (hg19) VCF-style: chr8-94935888-A-G.
Other names: c.1676A>G, p.Gln559Arg (NM_001161780.2, NM_001161779.2); c.1601A>G, p.Gln534Arg (NM_001161781.2); short protein forms Q534R, Q559R.
Identifiers: ClinVar variation 1376060 (VCV001376060.6), dbSNP rs2130392398, ClinGen allele CA371698240.

ClinVar aggregate classification (germline): Uncertain significance (1 of 4 stars; one submission).

Allele frequency attached by ClinVar (database versions not stated): gnomAD exomes below 0.00001.

Submission:

Labcorp Genetics (formerly Invitae), Labcorp
Classification: Uncertain significance. Last evaluated: 2022-07-12. Review status: criteria provided, single submitter. Criteria: Invitae Variant Classification Sherloc (09022015). Collection method: clinical testing. Allele origin: germline.
Comment: In summary, the available evidence is currently insufficient to determine the role of this variant in disease. Therefore, it has been classified as a Variant of Uncertain Significance. Algorithms developed to predict the effect of missense changes on protein structure and function (SIFT, PolyPhen-2, Align-GVGD) all suggest that this variant is likely to be tolerated. ClinVar contains an entry for this variant (Variation ID: 1376060). This variant has not been reported in the literature in individuals affected with PDP1-related conditions. This variant is not present in population databases (gnomAD no frequency). This sequence change replaces glutamine, which is neutral and polar, with arginine, which is basic and polar, at codon 534 of the PDP1 protein (p.Gln534Arg).